The following is an entry in ClinVar:

NM_007194.4(CHEK2):c.1000G>C (p.Ala334Pro)

Gene: CHEK2 (checkpoint kinase 2; minus strand). Cytogenetic location: 22q12.1.
Variant type: single nucleotide variant.
Coding change: c.1000G>C on transcript NM_007194.4 (MANE Select); coding-DNA position 1000, G replaced by C.
Protein change: p.Ala334Pro; replaces alanine 334 with proline.
Molecular consequence: missense variant.
Genome position (GRCh38, 1-based): chr22:28,699,846, C>G on the plus strand (G>C on the coding strand, the complement: CHEK2 is on the minus strand). VCF-style: chr22-28699846-C-G. GRCh37 (hg19) VCF-style: chr22-29095834-C-G.
Other names: c.1129G>C, p.Ala377Pro (NM_001005735.3); c.337G>C, p.Ala113Pro (NM_001257387.3); c.799G>C, p.Ala267Pro (NM_001349956.3); c.1000G>C, p.Ala334Pro (NM_145862.3); short protein forms A334P, A113P, A267P, A377P.
Identifiers: ClinVar variation 449971 (VCV000449971.13), dbSNP rs864622371, ClinGen allele CA411099366.
Genomic context (GRCh38, chr22:28,699,846, plus strand): 5'-TAATTCAACTAAAAGAAAGGCAGCTGTCAAAAGAATTGAGGGCTTCTTTTACCTGCACAG[C>G]CAAGAGCATCTGGTAAAAATAGAGCTTGCAGGTAGCTTCTTTCAGGCGTTTATTCCCCAC-3'
Protein context (NP_009125.1, residues 324-344): CKLYFYQMLL[Ala334Pro]VQYLHENGII

ClinVar aggregate classification (germline): Uncertain significance. Review status: criteria provided, multiple submitters, no conflicts (2 of 4 stars). 5 submissions from 5 submitters: Uncertain significance (5). Last evaluated 2024-01-17.

Conditions:
Hereditary cancer-predisposing syndrome. Also called: Neoplastic Syndromes, Hereditary; Hereditary neoplastic syndrome; Hereditary Cancer Syndrome; Tumor predisposition. Identifiers: Orphanet 140162, MedGen C0027672, MeSH D009386, MONDO:0015356.
Breast and/or ovarian cancer. Identifiers: MedGen CN221562.
Familial cancer of breast. Also called: BREAST CANCER, FAMILIAL; hereditary breast carcinoma; Hereditary breast cancer. Identifiers: Orphanet 227535, MedGen C0346153, MONDO:0016419, OMIM 114480. Disease mechanism: loss of function.

Submissions (5):

Labcorp Genetics (formerly Invitae), Labcorp
Classification: Uncertain significance for Familial cancer of breast. Last evaluated: 2024-01-17. Review status: criteria provided, single submitter. Criteria: Invitae Variant Classification Sherloc (09022015). Collection method: clinical testing. Allele origin: germline.
Comment: This sequence change replaces alanine, which is neutral and non-polar, with proline, which is neutral and non-polar, at codon 334 of the CHEK2 protein (p.Ala334Pro). This variant is not present in population databases (gnomAD no frequency). This variant has not been reported in the literature in individuals affected with CHEK2-related conditions. ClinVar contains an entry for this variant (Variation ID: 449971). An algorithm developed to predict the effect of missense changes on protein structure and function (PolyPhen-2) suggests that this variant is likely to be disruptive. In summary, the available evidence is currently insufficient to determine the role of this variant in disease. Therefore, it has been classified as a Variant of Uncertain Significance.

CHEO Genetics Diagnostic Laboratory, Children's Hospital of Eastern Ontario
Classification: Uncertain significance for Breast and/or ovarian cancer. Last evaluated: 2023-05-01. Review status: criteria provided, single submitter. Criteria: ACMG Guidelines, 2015. Collection method: clinical testing. Allele origin: germline.

Ambry Genetics
Classification: Uncertain significance for Hereditary cancer-predisposing syndrome. Last evaluated: 2022-02-05. Review status: criteria provided, single submitter. Criteria: Ambry Variant Classification Scheme 2023. Collection method: clinical testing. Allele origin: germline.
Comment: The p.A334P variant (also known as c.1000G>C), located in coding exon 8 of the CHEK2 gene, results from a G to C substitution at nucleotide position 1000. The alanine at codon 334 is replaced by proline, an amino acid with highly similar properties. This amino acid position is conserved. In addition, this alteration is predicted to be deleterious by in silico analysis. Since supporting evidence is limited at this time, the clinical significance of this alteration remains unclear.

Color Diagnostics, LLC DBA Color Health
Classification: Uncertain significance for Hereditary cancer-predisposing syndrome. Last evaluated: 2018-11-19. Review status: criteria provided, single submitter. Criteria: ACMG Guidelines, 2015. Collection method: clinical testing. Allele origin: germline.

GeneDx
Classification: Uncertain significance. Last evaluated: 2017-05-08. Review status: criteria provided, single submitter. Criteria: GeneDx Variant Classification (06012015). Collection method: clinical testing. Allele origin: germline. Affected: yes.
Comment: This variant is denoted CHEK2 c.1000G>C at the cDNA level, p.Ala334Pro (A334P) at the protein level, and results in the change of an Alanine to a Proline (GCT>CCT). This variant has not, to our knowledge, been published in the literature as pathogenic or benign. CHEK2 Ala334Pro was not observed in large population cohorts (NHLBI Exome Sequencing Project, The 1000 Genomes Consortium 2015, Lek 2016). Since Alanine and Proline differ in some properties, this is considered a semi-conservative amino acid substitution. CHEK2 Ala334Pro occurs at a position that is conserved across species and is located in the protein kinase domain (Desrichard 2011, Roeb 2012, UniProt). In silico analyses predict that this variant is probably damaging to protein structure and function. Based on currently available evidence, it is unclear whether CHEK2 Ala334Pro is a pathogenic or benign variant. We consider it to be a variant of uncertain significance.